The following is an entry in ClinVar:

NM_000426.4(LAMA2):c.6667A>G (p.Thr2223Ala)

Gene: LAMA2 (laminin subunit alpha 2; plus strand). Cytogenetic location: 6q22.33.
Variant type: single nucleotide variant.
Coding change: c.6667A>G on transcript NM_000426.4 (MANE Select); coding-DNA position 6667, A replaced by G.
Protein change: p.Thr2223Ala; replaces threonine 2223 with alanine.
Molecular consequence: missense variant.
Genome position (GRCh38, 1-based): chr6:129,454,248, A>G. VCF-style: chr6-129454248-A-G. GRCh37 (hg19) VCF-style: chr6-129775393-A-G.
Other names: c.6667A>G, p.Thr2223Ala (NM_001079823.2); short protein forms T2223A.
Identifiers: ClinVar variation 355290 (VCV000355290.7), dbSNP rs886061055, ClinGen allele CA10622906.
Genomic context (GRCh38, chr6:129,454,248, plus strand): 5'-AAAGTCAGCTTCCTCTGGGATGTTGGATCTGGAGTTGGACGTGTAGAGTACCCAGATTTG[A>G]CTATTGATGACTCATATTGGTACCGTATCGTAGCATCAAGGTAACCAACTTAATAAAGAT-3'
Protein context (NP_000417.3, residues 2213-2233): GVGRVEYPDL[Thr2223Ala]IDDSYWYRIV

ClinVar aggregate classification (germline): Uncertain significance. Review status: criteria provided, multiple submitters, no conflicts (2 of 4 stars). 2 submissions from 2 submitters: Uncertain significance (2). Last evaluated 2022-03-12.

Conditions:
Congenital muscular dystrophy due to partial LAMA2 deficiency. Identifiers: MedGen C1842898.
LAMA2-related muscular dystrophy (LAMA2-RD). Also called: Laminin alpha 2-related dystrophy. Identifiers: MedGen C5679788, MONDO:0100228.

Allele frequency attached by ClinVar (database versions not stated): TOPMed 0.00001.

Submissions (2):

Labcorp Genetics (formerly Invitae), Labcorp
Classification: Uncertain significance for LAMA2-related muscular dystrophy. Last evaluated: 2022-03-12. Review status: criteria provided, single submitter. Criteria: Invitae Variant Classification Sherloc (09022015). Collection method: clinical testing. Allele origin: germline.
Comment: This sequence change replaces threonine, which is neutral and polar, with alanine, which is neutral and non-polar, at codon 2223 of the LAMA2 protein (p.Thr2223Ala). This variant is not present in population databases (gnomAD no frequency). This variant has not been reported in the literature in individuals affected with LAMA2-related conditions. ClinVar contains an entry for this variant (Variation ID: 355290). Advanced modeling of protein sequence and biophysical properties (such as structural, functional, and spatial information, amino acid conservation, physicochemical variation, residue mobility, and thermodynamic stability) performed at Invitae indicates that this missense variant is not expected to disrupt LAMA2 protein function. In summary, the available evidence is currently insufficient to determine the role of this variant in disease. Therefore, it has been classified as a Variant of Uncertain Significance.

Illumina Laboratory Services, Illumina
Classification: Uncertain significance for Congenital muscular dystrophy due to partial LAMA2 deficiency. Last evaluated: 2018-01-13. Review status: criteria provided, single submitter. Criteria: ICSL Variant Classification Criteria 13 December 2019. Collection method: clinical testing. Allele origin: germline.